The following is an entry in ClinVar:

ClinVar aggregate classification (germline): Uncertain significance (1 of 4 stars; one submission).

Submission:

Labcorp Genetics (formerly Invitae), Labcorp
Classification: Uncertain significance. Last evaluated: 2024-10-02. Review status: criteria provided, single submitter. Criteria: Invitae Variant Classification Sherloc (09022015). Collection method: clinical testing. Allele origin: germline.
Comment: This sequence change replaces serine, which is neutral and polar, with threonine, which is neutral and polar, at codon 1428 of the SORL1 protein (p.Ser1428Thr). This variant is not present in population databases (gnomAD no frequency). This variant has not been reported in the literature in individuals affected with SORL1-related conditions. An algorithm developed to predict the effect of missense changes on protein structure and function (PolyPhen-2) suggests that this variant is likely to be tolerated. In summary, the available evidence is currently insufficient to determine the role of this variant in disease. Therefore, it has been classified as a Variant of Uncertain Significance.

NM_003105.6(SORL1):c.4283G>C (p.Ser1428Thr)

Gene: SORL1 (sortilin related receptor 1; plus strand). Cytogenetic location: 11q24.1.
Variant type: single nucleotide variant.
Coding change: c.4283G>C on transcript NM_003105.6 (MANE Select); coding-DNA position 4283, G replaced by C.
Protein change: p.Ser1428Thr; replaces serine 1428 with threonine.
Molecular consequence: missense variant.
Genome position (GRCh38, 1-based): chr11:121,591,070, G>C. VCF-style: chr11-121591070-G-C. GRCh37 (hg19) VCF-style: chr11-121461779-G-C.
Other names: short protein forms S1428T.
Identifiers: ClinVar variation 3722002 (VCV003722002.2).
Genomic context (GRCh38, chr11:121,591,070, plus strand): 5'-TTCTTCCCTTCTCGACTCCTGGGCCCTCCACGTGTCTGCCCAATTACTACCGCTGCAGCA[G>C]TGGGACCTGCGTGATGGACACCTGGGTGTGCGACGGGTACCGAGATTGTGCAGATGGCTC-3'
Protein context (NP_003096.2, residues 1418-1438): TCLPNYYRCS[Ser1428Thr]GTCVMDTWVC